The following is an entry in ClinVar:

ClinVar aggregate classification (germline): Uncertain significance. Review status: criteria provided, multiple submitters, no conflicts (2 of 4 stars). 7 submissions from 7 submitters: Uncertain significance (5). 2 of the submissions do not count toward it. Last evaluated 2025-11-26.

Conditions:
CFTR-related disorder (CFTR-RD). Also called: CFTR-related disorders; CFTR-related condition. Identifiers: MedGen C5924204, MONDO:7770004.
Cystic fibrosis (CF). Also called: MUCOVISCIDOSIS. Identifiers: Orphanet 586, MedGen C0010674, MONDO:0009061, OMIM 219700. Disease mechanism: loss of function.

Allele frequency attached by ClinVar (database versions not stated): gnomAD 0.00002; ExAC 0.00006; TOPMed 0.00001; gnomAD exomes 0.00004 and 0.00013.
gnomAD v4.1: 185 of 1,613,904 alleles (0.011%); highest among the groups gnomAD compares: Non-Finnish European, 0.015%; no homozygotes.

Submissions (7):

Ambry Genetics
Classification: Uncertain significance for Cystic fibrosis. Last evaluated: 2025-11-26. Review status: criteria provided, single submitter. Criteria: Ambry Variant Classification Scheme 2023. Collection method: clinical testing. Allele origin: germline.
Comment: The p.G1343S variant (also known as c.4027G>A), located in coding exon 25 of the CFTR gene, results from a G to A substitution at nucleotide position 4027. The glycine at codon 1343 is replaced by serine, an amino acid with similar properties. This amino acid position is highly conserved in available vertebrate species. In addition, this alteration is predicted to be deleterious by in silico analysis. Based on the available evidence, the clinical significance of this variant remains unclear.

GeneDx
Classification: Uncertain significance. Last evaluated: 2025-09-23. Review status: criteria provided, single submitter. Criteria: GeneDx Variant Classification Process June 2021. Collection method: clinical testing. Allele origin: germline. Affected: yes.
Comment: In silico analysis supports that this missense variant has a deleterious effect on protein structure/function; Has not been previously published as pathogenic or benign to our knowledge

Women's Health and Genetics/Laboratory Corporation of America, LabCorp
Classification: Uncertain significance. Last evaluated: 2025-01-14. Review status: criteria provided, single submitter. Criteria: LabCorp Variant Classification Summary - May 2015. Collection method: clinical testing. Allele origin: germline.
Comment: Variant summary: CFTR c.4027G>A (p.Gly1343Ser) results in a non-conservative amino acid change in the encoded protein sequence. Five of five in-silico tools predict a damaging effect of the variant on protein function. The variant allele was found at a frequency of 4.4e-05 in 251174 control chromosomes. This frequency is not significantly higher than estimated for a pathogenic variant in CFTR causing Cystic Fibrosis (4.4e-05 vs 0.013), allowing no conclusion about variant significance. To our knowledge, no occurrence of c.4027G>A in individuals affected with Cystic Fibrosis and no experimental evidence demonstrating its impact on protein function have been reported. ClinVar contains an entry for this variant (Variation ID: 495939). Based on the evidence outlined above, the variant was classified as uncertain significance.

Labcorp Genetics (formerly Invitae), Labcorp
Classification: Uncertain significance for Cystic fibrosis. Last evaluated: 2024-09-29. Review status: criteria provided, single submitter. Criteria: Invitae Variant Classification Sherloc (09022015). Collection method: clinical testing. Allele origin: germline.
Comment: This sequence change replaces glycine, which is neutral and non-polar, with serine, which is neutral and polar, at codon 1343 of the CFTR protein (p.Gly1343Ser). This variant is present in population databases (rs747324955, gnomAD 0.009%). This variant has not been reported in the literature in individuals affected with CFTR-related conditions. ClinVar contains an entry for this variant (Variation ID: 495939). Invitae Evidence Modeling of protein sequence and biophysical properties (such as structural, functional, and spatial information, amino acid conservation, physicochemical variation, residue mobility, and thermodynamic stability) indicates that this missense variant is expected to disrupt CFTR protein function with a positive predictive value of 80%. In summary, the available evidence is currently insufficient to determine the role of this variant in disease. Therefore, it has been classified as a Variant of Uncertain Significance.

Genome-Nilou Lab
Classification: Uncertain significance for Cystic fibrosis. Last evaluated: 2021-09-05. Review status: criteria provided, single submitter. Criteria: ACMG Guidelines, 2015. Collection method: clinical testing. Allele origin: germline. Affected: no.

PreventionGenetics, part of Exact Sciences
Classification: Uncertain significance for CFTR-related condition. Last evaluated: 2024-09-11. Review status: no assertion criteria provided. Collection method: clinical testing. Allele origin: germline. Not counted in ClinVar's aggregate classification.
Comment: The CFTR c.4027G>A variant is predicted to result in the amino acid substitution p.Gly1343Ser. To our knowledge, this variant has not been reported in the literature. This variant is reported in 0.0097% of alleles in individuals of European (Non-Finnish) descent in gnomAD. At this time, the clinical significance of this variant is uncertain due to the absence of conclusive functional and genetic evidence.

Natera, Inc.
Classification: Uncertain significance for CFTR-related disorders. Last evaluated: 2018-06-12. Review status: no assertion criteria provided. Collection method: clinical testing. Allele origin: germline. Not counted in ClinVar's aggregate classification.

NM_000492.4(CFTR):c.4027G>A (p.Gly1343Ser)

Gene: CFTR (CF transmembrane conductance regulator; plus strand). Cytogenetic location: 7q31.2.
Variant type: single nucleotide variant.
Coding change: c.4027G>A on transcript NM_000492.4 (MANE Select); coding-DNA position 4027, G replaced by A.
Protein change: p.Gly1343Ser; replaces glycine 1343 with serine.
Molecular consequence: missense variant.
Genome position (GRCh38, 1-based): chr7:117,664,751, G>A. VCF-style: chr7-117664751-G-A. GRCh37 (hg19) VCF-style: chr7-117304805-G-A.
Other names: short protein forms G1343S.
Identifiers: ClinVar variation 495939 (VCV000495939.23), dbSNP rs747324955, ClinGen allele CA4451610.